The following is an entry in ClinVar:

ClinVar aggregate classification (germline): Likely benign (1 of 4 stars; one submission).

Conditions:
CREBBP-related disorder. Also called: CREBBP-related condition; CREBBP-related disorders.

gnomAD v4.1: 1 of 1,612,648 alleles (0.000062%); highest among the groups gnomAD compares: Non-Finnish European, 0.000085%; no homozygotes.

Submission:

PreventionGenetics, part of Exact Sciences
Classification: Likely benign for CREBBP-related condition. Last evaluated: 2026-02-17. Review status: criteria provided, single submitter. Criteria: ACMG Guidelines, 2015. Collection method: clinical testing. Allele origin: germline.
Comment: This variant is classified as likely benign based on ACMG/AMP sequence variant interpretation guidelines (Richards et al. 2015 PMID: 25741868, with internal and published modifications).

NM_004380.3(CREBBP):c.3370-7T>C

Gene: CREBBP (CREB binding lysine acetyltransferase; minus strand). Cytogenetic location: 16p13.3.
Variant type: single nucleotide variant.
Coding change: c.3370-7T>C on transcript NM_004380.3 (MANE Select); 7 bases into the intron before coding-DNA position 3370, T replaced by C.
Molecular consequence: intron variant.
Genome position (GRCh38, 1-based): chr16:3,758,055, A>G on the plus strand (T>C on the coding strand, the complement: CREBBP is on the minus strand). VCF-style: chr16-3758055-A-G. GRCh37 (hg19) VCF-style: chr16-3808056-A-G.
Other names: c.3256-7T>C (NM_001079846.1).
Identifiers: ClinVar variation 4982786 (VCV004982786.1).